The following is an entry in ClinVar:

ClinVar aggregate classification (germline): Likely pathogenic. Review status: criteria provided, multiple submitters, no conflicts (2 of 4 stars). 2 submissions from 2 submitters: Likely pathogenic (2). Last evaluated 2026-01-12.

Conditions:
3 beta-Hydroxysteroid dehydrogenase deficiency. Also called: 3-BETA-HSD DEFICIENCY; ADRENAL HYPERPLASIA II; 3b-hydroxysteroid dehydrogenase deficiency; ADRENAL HYPERPLASIA, CONGENITAL, DUE TO 3-BETA-HYDROXYSTEROID DEHYDROGENASE 2 DEFICIENCY; Congenital adrenal hyperplasia due to 3-beta-hydroxysteroid dehydrogenase deficiency. Identifiers: Orphanet 90791, MedGen C0342471, MeSH C538236, MONDO:0008727, OMIM 201810. Disease mechanism: loss of function.

Submissions (2):

Natera, Inc.
Classification: Likely pathogenic for 3 beta hydroxysteroid dehydrogenase deficiency. Last evaluated: 2026-01-12. Review status: criteria provided, single submitter. Criteria: Natera Variant Classification Schema (03/2026). Collection method: clinical testing. Allele origin: germline.
Comment: The c.308-1G>A variant in HSD3B2 is a canonical splice acceptor site variant predicted to affect pre-mRNA splicing, which may result in an abnormal transcript and altered protein product. This variant is expected to result in nonsense mediated decay, truncation, or a dysfunctional protein product. This variant is rare in the general population with a frequency below the threshold expected for the associated phenotype(s). Given the available evidence, this variant is classified as Likely Pathogenic.

Neuberg Centre For Genomic Medicine, NCGM
Classification: Likely pathogenic for 3 beta-Hydroxysteroid dehydrogenase deficiency. Last evaluated: 2024-02-01. Review status: criteria provided, single submitter. Criteria: ACMG Guidelines, 2015. Collection method: clinical testing. Allele origin: germline. Inheritance: Autosomal recessive inheritance. Affected: yes.
Comment: The above variant has not been reported previously as a pathogenic variant nor as a benign variant, to our knowledge. Loss of function variants have been reported downstream to this variant, however this variant is present in last exon thus additional functional studies are required to prove pathogenicity of the variant. For these reasons, this variant has been classified as Likely Pathogenic.

NM_000198.4(HSD3B2):c.308-1G>A

Gene: HSD3B2 (hydroxy-delta-5-steroid dehydrogenase, 3 beta- and steroid delta-isomerase 2; plus strand). Cytogenetic location: 1p12.
Variant type: single nucleotide variant.
Coding change: c.308-1G>A on transcript NM_000198.4 (MANE Select); the canonical splice acceptor site of the intron before coding-DNA position 308, G replaced by A.
Molecular consequence: splice acceptor variant.
Genome position (GRCh38, 1-based): chr1:119,421,808, G>A. VCF-style: chr1-119421808-G-A. GRCh37 (hg19) VCF-style: chr1-119964431-G-A.
Other names: c.308-1G>A (NM_001166120.2, NM_000198.3).
Identifiers: ClinVar variation 3895510 (VCV003895510.3).